The following is an entry in ClinVar:

ClinVar aggregate classification (germline): Benign. Review status: criteria provided, multiple submitters, no conflicts (2 of 4 stars). 4 submissions from 3 submitters: Benign (4). Last evaluated 2018-01-13.

Conditions:
Jervell and Lange-Nielsen syndrome 2 (JLNS2). Identifiers: Orphanet 768, Orphanet 90647, MedGen C2676723, MONDO:0012871, OMIM 612347.
Long QT syndrome 5 (LQT5). Identifiers: Orphanet 101016, Orphanet 768, MedGen C1867904, MONDO:0013372, OMIM 613695.

Allele frequency attached by ClinVar (database versions not stated): gnomAD exomes 0.08474; 1000 Genomes Project 0.09006; 1000 Genomes Project 30x 0.13601; gnomAD 0.14667 and 0.15224.
gnomAD v4.1: 47,483 of 476,646 alleles (10%); highest among the groups gnomAD compares: African/African-American, 27%; 14,022 homozygotes.

Submissions (4):

Illumina Laboratory Services, Illumina
Classification: Benign for Jervell and Lange-Nielsen syndrome 2. Last evaluated: 2018-01-13. Review status: criteria provided, single submitter. Criteria: ICSL Variant Classification Criteria 13 December 2019. Collection method: clinical testing. Allele origin: germline.
Comment: This variant was observed in the ICSL laboratory as part of a predisposition screen in an ostensibly healthy population. It had not been previously curated by ICSL or reported in the Human Gene Mutation Database (HGMD: prior to June 1st, 2018), and was therefore a candidate for classification through an automated scoring system. Utilizing variant allele frequency, disease prevalence and penetrance estimates, and inheritance mode, an automated score was calculated to assess if this variant is too frequent to cause the disease. Based on the score and internal cut-off values, a variant classified as benign is not then subjected to further curation. The score for this variant resulted in a classification of benign for this disease.

Illumina Laboratory Services, Illumina
Classification: Benign for Long QT syndrome 5. Last evaluated: 2018-01-13. Review status: criteria provided, single submitter. Criteria: ICSL Variant Classification Criteria 13 December 2019. Collection method: clinical testing. Allele origin: germline.
Comment: the same text as in the submission from Illumina Laboratory Services, Illumina above.

GeneDx
Classification: Benign. Last evaluated: 2015-03-03. Review status: criteria provided, single submitter. Criteria: GeneDx Variant Classification Process June 2021. Collection method: clinical testing. Allele origin: germline. Affected: yes.

Breakthrough Genomics
Classification: Benign. Review status: criteria provided, single submitter. Criteria: ACMG Guidelines, 2015. Collection method: not provided. Allele origin: germline. Inheritance: Autosomal recessive inheritance. Affected: yes.

NM_000219.6(KCNE1):c.*132A>G

Gene: KCNE1 (potassium voltage-gated channel subfamily E regulatory subunit 1; minus strand). Cytogenetic location: 21q22.12.
Variant type: single nucleotide variant.
Coding change: c.*132A>G on transcript NM_000219.6 (MANE Select); 132 bases downstream of the stop codon, A replaced by G.
Molecular consequence: 3 prime UTR variant.
Genome position (GRCh38, 1-based): chr21:34,449,113, T>C on the plus strand (A>G on the coding strand, the complement: KCNE1 is on the minus strand). VCF-style: chr21-34449113-T-C. GRCh37 (hg19) VCF-style: chr21-35821411-T-C.
Other names: c.*132A>G (NM_001127668.4, NM_001127669.4, NM_001127670.4 and 4 more transcripts).
Identifiers: ClinVar variation 339768 (VCV000339768.7), dbSNP rs41314071, ClinGen allele CA10650392.